The following is an entry in ClinVar:

NM_000179.3(MSH6):c.2739dup (p.Thr914fs)

Gene: MSH6 (mutS homolog 6; plus strand). Cytogenetic location: 2p16.3.
Variant type: Duplication.
Coding change: c.2739dup on transcript NM_000179.3 (MANE Select); coding-DNA position 2739, one base duplicated (T; older notation c.2739dupT).
Protein change: p.Thr914fs; shifts the reading frame from threonine 914.
Molecular consequence: frameshift variant.
Genome position (GRCh38, 1-based): chr2:47,800,722, T duplicated. VCF-style (leftmost placement, unchanged base first): chr2-47800721-A-AT. GRCh37 (hg19) VCF-style: chr2-48027860-A-AT.
Other names: c.2349dup, p.Thr784fs (NM_001281492.2); c.1833dup, p.Thr612fs (NM_001281493.2, NM_001281494.2); c.2835dup, p.Thr946Tyrfs (NM_001406795.1, NM_001406802.1); c.2739dup, p.Thr914Tyrfs (NM_001406796.1, NM_001406798.1, NM_001406800.1 and 2 more transcripts); c.2442dup, p.Thr815Tyrfs (NM_001406797.1, NM_001406801.1, NM_001406805.1 and 10 more transcripts); c.2214dup, p.Thr739Tyrfs (NM_001406799.1, NM_001406806.1, NM_001406807.1); c.2661dup, p.Thr888Tyrfs (NM_001406804.1); c.1833dup, p.Thr612Tyrfs (NM_001406811.1, NM_001406812.1, NM_001406814.1 and 4 more transcripts); and 4 more; short protein forms T784fs, T612fs, T914fs.
Identifiers: ClinVar variation 1795385 (VCV001795385.2), dbSNP rs2530690470, ClinGen allele CA2580068051.

ClinVar aggregate classification (germline): Pathogenic (1 of 4 stars; one submission).

Conditions:
Hereditary cancer-predisposing syndrome. Also called: Tumor predisposition; Hereditary Cancer Syndrome; Neoplastic Syndromes, Hereditary; Hereditary neoplastic syndrome. Identifiers: Orphanet 140162, MedGen C0027672, MeSH D009386, MONDO:0015356.

Submission:

Ambry Genetics
Classification: Pathogenic for Hereditary cancer-predisposing syndrome. Last evaluated: 2017-12-07. Review status: criteria provided, single submitter. Criteria: Ambry Variant Classification Scheme 2023. Collection method: clinical testing. Allele origin: germline.
Comment: The c.2739dupT pathogenic mutation, located in coding exon 4 of the MSH6 gene, results from a duplication of T at nucleotide position 2739, causing a translational frameshift with a predicted alternate stop codon (p.T914Yfs*4). This alteration is expected to result in loss of function by premature protein truncation or nonsense-mediated mRNA decay. As such, this alteration is interpreted as a disease-causing mutation.